The following is an entry in ClinVar:

NM_152730.6(TBC1D32):c.1561A>G (p.Ile521Val)

Gene: TBC1D32 (TBC1 domain family member 32; minus strand). Cytogenetic location: 6q22.31.
Variant type: single nucleotide variant.
Coding change: c.1561A>G on transcript NM_152730.6 (MANE Select); coding-DNA position 1561, A replaced by G.
Protein change: p.Ile521Val; replaces isoleucine 521 with valine.
Molecular consequence: missense variant. On other transcripts: non-coding transcript variant (1).
Genome position (GRCh38, 1-based): chr6:121,281,591, T>C on the plus strand (A>G on the coding strand, the complement: TBC1D32 is on the minus strand). VCF-style: chr6-121281591-T-C. GRCh37 (hg19) VCF-style: chr6-121602737-T-C.
Other names: c.1561A>G, p.Ile521Val (NM_001367759.1, NM_001367760.1); short protein forms I521V.
Identifiers: ClinVar variation 2077878 (VCV002077878.3), dbSNP rs201680026, ClinGen allele CA3981115.

ClinVar aggregate classification (germline): Uncertain significance (1 of 4 stars; one submission).

Allele frequency attached by ClinVar (database versions not stated): gnomAD exomes 0.00012; 1000 Genomes Project 30x 0.00016; gnomAD 0.00017; ExAC 0.00018; 1000 Genomes Project 0.00020.
gnomAD v4.1: 212 of 1,607,896 alleles (0.013%); highest among the groups gnomAD compares: Middle Eastern, 0.25%; no homozygotes.

Submission:

Labcorp Genetics (formerly Invitae), Labcorp
Classification: Uncertain significance. Last evaluated: 2022-12-06. Review status: criteria provided, single submitter. Criteria: Invitae Variant Classification Sherloc (09022015). Collection method: clinical testing. Allele origin: germline.
Comment: In summary, the available evidence is currently insufficient to determine the role of this variant in disease. Therefore, it has been classified as a Variant of Uncertain Significance. Algorithms developed to predict the effect of missense changes on protein structure and function output the following: SIFT: "Tolerated"; PolyPhen-2: "Benign"; Align-GVGD: "Class C0". The valine amino acid residue is found in multiple mammalian species, which suggests that this missense change does not adversely affect protein function. This variant has not been reported in the literature in individuals affected with TBC1D32-related conditions. This variant is present in population databases (rs201680026, gnomAD 0.02%). This sequence change replaces isoleucine, which is neutral and non-polar, with valine, which is neutral and non-polar, at codon 521 of the TBC1D32 protein (p.Ile521Val).